The following is an entry in ClinVar:

NM_001329998.2(TRANK1):c.4668G>A (p.Glu1556=)

Gene: TRANK1 (tetratricopeptide repeat and ankyrin repeat containing 1; minus strand). Cytogenetic location: 3p22.2.
Variant type: single nucleotide variant.
Coding change: c.4668G>A on transcript NM_001329998.2 (MANE Select); coding-DNA position 4668, G replaced by A.
Protein change: p.Glu1556=; no amino-acid change (glutamic acid 1556 retained).
Molecular consequence: synonymous variant.
Genome position (GRCh38, 1-based): chr3:36,852,227, C>T on the plus strand (G>A on the coding strand, the complement: TRANK1 is on the minus strand). VCF-style: chr3-36852227-C-T. GRCh37 (hg19) VCF-style: chr3-36893718-C-T.
Other names: c.4536G>A, p.Glu1512= (NM_014831.3).
Identifiers: ClinVar variation 2653657 (VCV002653657.24), dbSNP rs369676512, ClinGen allele CA2306739.

ClinVar aggregate classification (germline): Likely benign (1 of 4 stars; one submission).

Allele frequency attached by ClinVar (database versions not stated): ESP Exome Variant Server 0.00008; TOPMed 0.00009; gnomAD 0.00023; gnomAD exomes 0.00024; ExAC 0.00036; 1000 Genomes Project 30x 0.00078; 1000 Genomes Project 0.00080.
gnomAD v4.1: 395 of 1,613,756 alleles (0.024%); highest among the groups gnomAD compares: South Asian, 0.2%; 1 homozygote.

Submission:

CeGaT Center for Human Genetics Tuebingen
Classification: Likely benign. Last evaluated: 2022-07-01. Review status: criteria provided, single submitter. Criteria: CeGaT Center For Human Genetics Tuebingen Variant Classification Criteria Version 2. Collection method: clinical testing. Allele origin: germline. Affected: yes. Observed: 1 variant allele.
Comment: TRANK1: BP4, BP7